The following is an entry in ClinVar:

ClinVar aggregate classification (germline): Uncertain significance (1 of 4 stars; one submission).

Submission:

Labcorp Genetics (formerly Invitae), Labcorp
Classification: Uncertain significance. Last evaluated: 2025-09-16. Review status: criteria provided, single submitter. Criteria: Invitae Variant Classification Sherloc (09022015). Collection method: clinical testing. Allele origin: germline.
Comment: This sequence change replaces isoleucine, which is neutral and non-polar, with threonine, which is neutral and polar, at codon 103 of the LHCGR protein (p.Ile103Thr). This variant is not present in population databases (gnomAD no frequency). This variant has not been reported in the literature in individuals affected with LHCGR-related conditions. An algorithm developed to predict the effect of missense changes on protein structure and function (PolyPhen-2) suggests that this variant is likely to be disruptive. In summary, the available evidence is currently insufficient to determine the role of this variant in disease. Therefore, it has been classified as a Variant of Uncertain Significance.

NM_000233.4(LHCGR):c.308T>C (p.Ile103Thr)

Genes: LHCGR (luteinizing hormone/choriogonadotropin receptor; minus strand), STON1-GTF2A1L (STON1-GTF2A1L readthrough; plus strand). Cytogenetic location: 2p16.3.
Variant type: single nucleotide variant.
Coding change: c.308T>C on transcript NM_000233.4 (MANE Select); coding-DNA position 308, T replaced by C.
Protein change: p.Ile103Thr; replaces isoleucine 103 with threonine.
Molecular consequence: missense variant. On other transcripts: intron variant (1).
Genome position (GRCh38, 1-based): chr2:48,729,153, A>G on the plus strand (T>C on the coding strand, the complement: LHCGR is on the minus strand). VCF-style: chr2-48729153-A-G. GRCh37 (hg19) VCF-style: chr2-48956292-A-G.
Other names: c.3442-47127A>G (NM_001198593.2); short protein forms I103T.
Identifiers: ClinVar variation 4726844 (VCV004726844.1).